The following is an entry in ClinVar:

ClinVar aggregate classification (germline): Uncertain significance (1 of 4 stars; one submission).

Submission:

GeneDx
Classification: Uncertain significance. Last evaluated: 2021-05-27. Review status: criteria provided, single submitter. Criteria: GeneDx Variant Classification Process June 2021. Collection method: clinical testing. Allele origin: germline. Affected: yes.
Comment: Not observed in large population cohorts (Lek et al., 2016); In silico analysis supports that this missense variant does not alter protein structure/function; Has not been previously published as pathogenic or benign to our knowledge

NM_001320.7(CSNK2B):c.631G>A (p.Val211Ile)

Gene: CSNK2B (casein kinase 2 beta; plus strand). Cytogenetic location: 6p21.33.
Variant type: single nucleotide variant.
Coding change: c.631G>A on transcript NM_001320.7 (MANE Select); coding-DNA position 631, G replaced by A.
Protein change: p.Val211Ile; replaces valine 211 with isoleucine.
Molecular consequence: missense variant.
Genome position (GRCh38, 1-based): chr6:31,669,909, G>A. VCF-style: chr6-31669909-G-A. GRCh37 (hg19) VCF-style: chr6-31637686-G-A.
Other names: c.622G>A, p.Val208Ile (NM_001282385.2); short protein forms V208I, V211I.
Identifiers: ClinVar variation 1326690 (VCV001326690.2), dbSNP rs2151189915, ClinGen allele CA363480379.